The following is an entry in ClinVar:

ClinVar aggregate classification (germline): Likely pathogenic. Review status: criteria provided, multiple submitters, no conflicts (2 of 4 stars). 2 submissions from 2 submitters: Likely pathogenic (2). Last evaluated 2024-03-14.

Conditions:
3M syndrome 1. Also called: 3-M Syndrome, CUL7-Related. Identifiers: Orphanet 2616, MedGen C2678312, MONDO:0010117, OMIM 273750.

Submissions (2):

Fulgent Genetics
Classification: Likely pathogenic for 3M syndrome 1. Last evaluated: 2024-03-14. Review status: criteria provided, single submitter. Criteria: ACMG Guidelines, 2015. Collection method: clinical testing. Allele origin: germline.

Labcorp Genetics (formerly Invitae), Labcorp
Classification: Likely pathogenic. Last evaluated: 2022-08-17. Review status: criteria provided, single submitter. Criteria: Invitae Variant Classification Sherloc (09022015). Collection method: clinical testing. Allele origin: germline.
Comment: In summary, the currently available evidence indicates that the variant is pathogenic, but additional data are needed to prove that conclusively. Therefore, this variant has been classified as Likely Pathogenic. Algorithms developed to predict the effect of sequence changes on RNA splicing suggest that this variant may disrupt the consensus splice site. This variant has not been reported in the literature in individuals affected with CUL7-related conditions. This variant is not present in population databases (gnomAD no frequency). This sequence change affects a donor splice site in intron 10 of the CUL7 gene. It is expected to disrupt RNA splicing. Variants that disrupt the donor or acceptor splice site typically lead to a loss of protein function (PMID: 16199547), and loss-of-function variants in CUL7 are known to be pathogenic (PMID: 16142236, 17675530, 19225462).

Literature cited by the submitters: PubMed 16199547 (cited by Labcorp Genetics (formerly Invitae), Labcorp); PubMed 16142236 (cited by Labcorp Genetics (formerly Invitae), Labcorp); PubMed 17675530 (cited by Labcorp Genetics (formerly Invitae), Labcorp); PubMed 19225462 (cited by Labcorp Genetics (formerly Invitae), Labcorp).

NM_014780.5(CUL7):c.2397+1G>A

Gene: CUL7 (cullin 7; minus strand). Cytogenetic location: 6p21.1.
Variant type: single nucleotide variant.
Coding change: c.2397+1G>A on transcript NM_014780.5 (MANE Select); the canonical splice donor site of the intron after coding-DNA position 2397, G replaced by A.
Molecular consequence: splice donor variant.
Genome position (GRCh38, 1-based): chr6:43,046,879, C>T on the plus strand (G>A on the coding strand, the complement: CUL7 is on the minus strand). VCF-style: chr6-43046879-C-T. GRCh37 (hg19) VCF-style: chr6-43014617-C-T.
Other names: c.2493+1G>A (NM_001168370.2, NM_001374872.1); c.2397+1G>A (NM_001374874.1, NM_001374873.1).
Identifiers: ClinVar variation 2014811 (VCV002014811.5), dbSNP rs938522045, ClinGen allele CA138248639.
Genomic context (GRCh38, chr6:43,046,879, plus strand): 5'-CACTGCTTGGGTTTCATATTCTGATGCCACTCTAAGCCCACAAGCTCCCCTTCCTCCTGA[C>T]CTGGATGCAGCCTCCCAGGATGTTGGTGATGAGTTTGCGGTAGAGGTGGGCATGCTTCTC-3'